The following is an entry in ClinVar:

ClinVar aggregate classification (germline): Benign. Review status: reviewed by expert panel (3 of 4 stars). 21 submissions from 20 submitters: Benign (1). 20 of the submissions do not count toward it. Last evaluated 2023-08-10.

Conditions:
CDH1-related diffuse gastric and lobular breast cancer syndrome. Also called: CDH1-related diffuse gastric and lobular breast cancer. Identifiers: MedGen CN311521, MONDO:0100488.
Hereditary cancer-predisposing syndrome. Also called: Neoplastic Syndromes, Hereditary; Hereditary neoplastic syndrome; Hereditary Cancer Syndrome; Tumor predisposition. Identifiers: Orphanet 140162, MedGen C0027672, MeSH D009386, MONDO:0015356.
Prostate cancer. Also called: Malignant tumor of prostate. Identifiers: Orphanet 1331, MedGen C0376358, MONDO:0008315, HP:0012125.
Hereditary diffuse gastric adenocarcinoma (HDGC). Also called: DIFFUSE GASTRIC AND LOBULAR BREAST CANCER SYNDROME. Identifiers: Orphanet 26106, MedGen C1708349, MONDO:0007648, OMIM 137215.
Malignant tumor of breast. Also called: Malignant breast neoplasm; Cancer breast. Identifiers: MedGen C0006142, MONDO:0007254. Disease mechanism: loss of function.

Allele frequency attached by ClinVar (database versions not stated): gnomAD exomes 0.01062; TOPMed 0.02276; 1000 Genomes Project 30x 0.02452; ESP Exome Variant Server 0.02455; gnomAD 0.01968 and 0.02054; ExAC 0.01142; 1000 Genomes Project 0.02276.
gnomAD v4.1: 14,861 of 1,614,096 alleles (0.92%); highest among the groups gnomAD compares: Middle Eastern, 8.8%; 222 homozygotes.

Submissions (21):

Clingen Gastric Cancer Variant Curation Expert Panel
Classification: Benign for CDH1-related diffuse gastric and lobular breast cancer syndrome. Last evaluated: 2023-08-10. Review status: reviewed by expert panel. Criteria: ClinGen CDH1 ACMG Specifications V3.1. Collection method: curation. Allele origin: germline. Inheritance: Autosomal dominant inheritance.
Comment: The NM_004360.5(CDH1):c.1896C>T (p.His632=) variant has an allele frequency of 0.05030 (5%, 1255/24950 alleles, 32 homozygotes) in the African subpopulation of the gnomAD v2.1.1 cohort (BA1; BP2). Therefore, this variant meets criteria to be classified as benign. ACMG/AMP criteria applied, as specified by the CDH1 Variant Curation Expert Panel (Variant Interpretation Guidelines Version 3.1): BA1, BP2.

Labcorp Genetics (formerly Invitae), Labcorp
Classification: Benign for Hereditary diffuse gastric adenocarcinoma. Last evaluated: 2026-02-04. Review status: criteria provided, single submitter. Criteria: Invitae Variant Classification Sherloc (09022015). Collection method: clinical testing. Allele origin: germline. Not counted in ClinVar's aggregate classification.

ARUP Laboratories, Molecular Genetics and Genomics, ARUP Laboratories
Classification: Benign. Last evaluated: 2025-07-23. Review status: criteria provided, single submitter. Criteria: ARUP Molecular Germline Variant Investigation Process 2024. Collection method: clinical testing. Allele origin: germline. Not counted in ClinVar's aggregate classification.

Center for Genomic Medicine, Rigshospitalet, Copenhagen University Hospital
Classification: Benign. Last evaluated: 2025-03-04. Review status: criteria provided, single submitter. Criteria: ACMG Guidelines, 2015. Collection method: clinical testing. Allele origin: germline. Not counted in ClinVar's aggregate classification.

KCCC/NGS Laboratory, Kuwait Cancer Control Center
Classification: Benign for Hereditary diffuse gastric adenocarcinoma. Last evaluated: 2025-02-01. Review status: criteria provided, single submitter. Criteria: ACMG Guidelines, 2015. Collection method: clinical testing. Allele origin: germline. Affected: no. Not counted in ClinVar's aggregate classification.

Myriad Genetics, Inc.
Classification: Benign for Hereditary diffuse gastric adenocarcinoma. Last evaluated: 2024-09-20. Review status: criteria provided, single submitter. Criteria: Myriad Autosomal Dominant, Autosomal Recessive and X-Linked Classification Criteria (2023). Collection method: clinical testing. Allele origin: unknown. Not counted in ClinVar's aggregate classification.
Comment: This variant is considered benign. This variant is a silent/synonymous amino acid change and it is not expected to impact splicing.

KCCC/NGS Laboratory, Kuwait Cancer Control Center
Classification: Benign for Familial prostate cancer. Last evaluated: 2023-07-07. Review status: criteria provided, single submitter. Criteria: ACMG Guidelines, 2015. Collection method: clinical testing. Allele origin: germline. Affected: yes. Not counted in ClinVar's aggregate classification.

Mayo Clinic Laboratories, Mayo Clinic
Classification: Benign. Last evaluated: 2022-11-04. Review status: criteria provided, single submitter. Criteria: ACMG Guidelines, 2015. Collection method: clinical testing. Allele origin: germline. Observed: 33 variant alleles. Not counted in ClinVar's aggregate classification.
Comment: BA1, BP4, BP7

European Reference Network on Genetic Tumour Risk Syndromes (ERN-GENTURIS), i3s - Instituto de Investigação e Inovação em Saúde, University of Porto
Classification: Benign for Hereditary diffuse gastric adenocarcinoma. Last evaluated: 2022-08-01. Review status: criteria provided, single submitter. Criteria: Lee et al. (Hum Mutat. 2018). Collection method: clinical testing. Allele origin: germline. Inheritance: Autosomal dominant inheritance. Affected: no. Study: ERN GENTURIS. Not counted in ClinVar's aggregate classification.
Comment: BA1; BP2_Strong (PMID: 30311375)

Illumina Laboratory Services, Illumina
Classification: Benign for Hereditary diffuse gastric adenocarcinoma. Last evaluated: 2018-01-13. Review status: criteria provided, single submitter. Criteria: ICSL Variant Classification Criteria 13 December 2019. Collection method: clinical testing. Allele origin: germline. Not counted in ClinVar's aggregate classification.
Comment: This variant was observed in the ICSL laboratory as part of a predisposition screen in an ostensibly healthy population. It had not been previously curated by ICSL or reported in the Human Gene Mutation Database (HGMD: prior to June 1st, 2018), and was therefore a candidate for classification through an automated scoring system. Utilizing variant allele frequency, disease prevalence and penetrance estimates, and inheritance mode, an automated score was calculated to assess if this variant is too frequent to cause the disease. Based on the score and internal cut-off values, a variant classified as benign is not then subjected to further curation. The score for this variant resulted in a classification of benign for this disease.

Color Diagnostics, LLC DBA Color Health
Classification: Benign for Hereditary cancer-predisposing syndrome. Last evaluated: 2015-04-02. Review status: criteria provided, single submitter. Criteria: ACMG Guidelines, 2015. Collection method: clinical testing. Allele origin: germline. Not counted in ClinVar's aggregate classification.

GeneDx
Classification: Benign. Last evaluated: 2015-03-03. Review status: criteria provided, single submitter. Criteria: GeneDx Variant Classification Process June 2021. Collection method: clinical testing. Allele origin: germline. Affected: yes. Not counted in ClinVar's aggregate classification.

Ambry Genetics
Classification: Benign for Hereditary cancer-predisposing syndrome. Last evaluated: 2014-11-18. Review status: criteria provided, single submitter. Criteria: Ambry Variant Classification Scheme 2023. Collection method: clinical testing. Allele origin: germline. Not counted in ClinVar's aggregate classification.

Breakthrough Genomics
Classification: Benign. Review status: criteria provided, single submitter. Criteria: ACMG Guidelines, 2015. Collection method: not provided. Allele origin: germline. Inheritance: Autosomal dominant inheritance. Affected: yes. Not counted in ClinVar's aggregate classification.

PreventionGenetics, part of Exact Sciences
Classification: Benign. Review status: criteria provided, single submitter. Criteria: ACMG Guidelines, 2015. Collection method: clinical testing. Allele origin: germline. Not counted in ClinVar's aggregate classification.

True Health Diagnostics
Classification: Likely benign for Hereditary cancer-predisposing syndrome. Last evaluated: 2017-11-15. Review status: no assertion criteria provided. Collection method: clinical testing. Allele origin: germline. Not counted in ClinVar's aggregate classification.

Clinical Genetics Laboratory, Department of Pathology, Netherlands Cancer Institute
Classification: Benign. Review status: no assertion criteria provided. Collection method: clinical testing. Allele origin: germline. Affected: yes. Study: VKGL Data-share Consensus. Not counted in ClinVar's aggregate classification.

Clinical Genetics, Academic Medical Center
Classification: Benign. Review status: no assertion criteria provided. Collection method: clinical testing. Allele origin: germline. Affected: yes. Study: VKGL Data-share Consensus. Not counted in ClinVar's aggregate classification.

Department of Pathology and Laboratory Medicine, Sinai Health System
Classification: Benign for Malignant tumor of breast. Review status: no assertion criteria provided. Collection method: clinical testing. Allele origin: unknown. Affected: yes. Study: The Canadian Open Genetics Repository (COGR). Not counted in ClinVar's aggregate classification.
Comment: The CDH1 p.His632= variant was identified in 7 of 716 proband chromosomes (frequency: 0.010) from Polish, Italian and multiethnic cohorts of individuals or families with hereditary diffuse gastric cancer, nonhereditary or at risk gastric cancer and breast cancer (invasive lobular carcinoma), and was present in 7 of 304 control chromosomes (frequency: 0.02) from healthy individuals (Jakubowska 2010, Oliveira 2002, Valente 2014 , Garziera 2013). In one study, individuals found to carry the variant were those at risk of gastric cancer but not with sporadic gastric cancer (Garziera 2013). The variant has been reported as a polymorphism (frequency unspecified), in several studies (Berx 1997, Gayther 1998). The variant was identified in dbSNP (ID: rs33969373) â€šÃ„ÃºWith Benign alleleâ€šÃ„Ã¹, ClinVar database (classification benign by Ambry Genetics, Prevention Genetics, Illumina, Color Genomics and Invitae), Clinvitae (3X classified as benign), Cosmic (2X in a haemangioblastoma and thyroid tumor), and the Zhejiang Colon Cancer Database (3X); and was not identified in MutDB, or Insight Colon Cancer Gene Variant Database. The variant was also identified in control databases in 3105 (57 homozygous) of 277164 chromosomes at a frequency of 0.0112, increasing the likelihood this could be a low frequency benign variant (Genome Aggregation Consortium Feb 27 2017); being identified in the following populations at a frequency greater than 1%: African in 1191 of 24012 chromosome (freq: 0.05), Other in 128 of 6464 chromosomes (freq. 0.02), Latino in 477 of 34418 chromosomes (freq. 0.014), and in Ashkenazi Jewish in 103 of 10152 chromosomes (freq. 0.010). The p.His632His variant is not expected to have clinical significance because it does not result in a change of amino acid and is not located in a known consensus splice site. In addition, in silico or computational prediction software programs (SpliceSiteFinder, MaxEntScan, NNSPLICE, GeneSplicer, HumanSpliceFinder) do not predict a difference in splicing. In summary, based on the above information, this variant meets our laboratory's criteria to be classified as benign.

Genome Diagnostics Laboratory, Amsterdam University Medical Center
Classification: Benign. Review status: no assertion criteria provided. Collection method: clinical testing. Allele origin: germline. Affected: yes. Study: VKGL Data-share Consensus. Not counted in ClinVar's aggregate classification.

Joint Genome Diagnostic Labs from Nijmegen and Maastricht, Radboudumc and MUMC+
Classification: Benign. Review status: no assertion criteria provided. Collection method: clinical testing. Allele origin: germline. Affected: yes. Study: VKGL Data-share Consensus. Not counted in ClinVar's aggregate classification.

Literature cited by the submitters: PubMed 36436516 (cited by European Reference Network on Genetic Tumour Risk Syndromes (ERN-GENTURIS), i3s - Instituto de Investigação e Inovação em Saúde, University of Porto).

NM_004360.5(CDH1):c.1896C>T (p.His632=)

Gene: CDH1 (cadherin 1; plus strand). Cytogenetic location: 16q22.1.
Variant type: single nucleotide variant.
Coding change: c.1896C>T on transcript NM_004360.5 (MANE Select); coding-DNA position 1896, C replaced by T.
Protein change: p.His632=; no amino-acid change (histidine 632 retained).
Molecular consequence: synonymous variant. On other transcripts: 5 prime UTR variant (1).
Genome position (GRCh38, 1-based): chr16:68,822,185, C>T. VCF-style: chr16-68822185-C-T. GRCh37 (hg19) VCF-style: chr16-68856088-C-T.
Other names: c.1896C>T (LRG_301t1); c.1713C>T, p.His571= (NM_001317184.2); c.348C>T, p.His116= (NM_001317185.2); c.-70C>T (NM_001317186.2).
Identifiers: ClinVar variation 141570 (VCV000141570.47), dbSNP rs33969373, ClinGen allele CA165821.